The following is an entry in ClinVar:

NM_006258.4(PRKG1):c.152C>T (p.Ser51Leu)

Gene: PRKG1 (protein kinase cGMP-dependent 1; plus strand). Cytogenetic location: 10q11.23.
Variant type: single nucleotide variant.
Coding change: c.152C>T on transcript NM_006258.4 (MANE Select); coding-DNA position 152, C replaced by T.
Protein change: p.Ser51Leu; replaces serine 51 with leucine.
Molecular consequence: missense variant. On other transcripts: intron variant (1).
Genome position (GRCh38, 1-based): chr10:51,074,742, C>T. VCF-style: chr10-51074742-C-T. GRCh37 (hg19) VCF-style: chr10-52834502-C-T.
Other names: c.152C>T, p.Ser51Leu (NM_001374782.1); c.267-78422C>T (NM_001098512.3); short protein forms S51L.
Identifiers: ClinVar variation 3684243 (VCV003684243.2).

ClinVar aggregate classification (germline): Uncertain significance (1 of 4 stars; one submission).

Conditions:
Aortic aneurysm, familial thoracic 8 (AAT8). Identifiers: MedGen C3809513, MONDO:0014187, OMIM 615436.

Submission:

Labcorp Genetics (formerly Invitae), Labcorp
Classification: Uncertain significance for Aortic aneurysm, familial thoracic 8. Last evaluated: 2024-12-19. Review status: criteria provided, single submitter. Criteria: Invitae Variant Classification Sherloc (09022015). Collection method: clinical testing. Allele origin: germline.
Comment: This sequence change replaces serine, which is neutral and polar, with leucine, which is neutral and non-polar, at codon 51 of the PRKG1 protein (p.Ser51Leu). This variant is not present in population databases (gnomAD no frequency). This variant has not been reported in the literature in individuals affected with PRKG1-related conditions. An algorithm developed to predict the effect of missense changes on protein structure and function (PolyPhen-2) suggests that this variant is likely to be disruptive. In summary, the available evidence is currently insufficient to determine the role of this variant in disease. Therefore, it has been classified as a Variant of Uncertain Significance.